The following is an entry in ClinVar:

ClinVar aggregate classification (germline): Uncertain significance (1 of 4 stars; one submission).

gnomAD v4.1: 7 of 1,549,688 alleles (0.00045%); highest among the groups gnomAD compares: East Asian, 0.0049%; no homozygotes.

Submission:

GeneDx
Classification: Uncertain significance. Last evaluated: 2026-04-14. Review status: criteria provided, single submitter. Criteria: GeneDx Variant Classification Process June 2021. Collection method: clinical testing. Allele origin: germline.
Comment: Not observed at significant frequency in large population cohorts (gnomAD); In silico analysis suggests that this missense variant does not alter protein structure/function; Has not been previously published as pathogenic or benign to our knowledge

NM_001287491.2(TET3):c.356T>C (p.Val119Ala)

Gene: TET3 (tet methylcytosine dioxygenase 3; plus strand). Cytogenetic location: 2p13.1.
Variant type: single nucleotide variant.
Coding change: c.356T>C on transcript NM_001287491.2 (MANE Select); coding-DNA position 356, T replaced by C.
Protein change: p.Val119Ala; replaces valine 119 with alanine.
Molecular consequence: missense variant.
Genome position (GRCh38, 1-based): chr2:74,003,162, T>C. VCF-style: chr2-74003162-T-C. GRCh37 (hg19) VCF-style: chr2-74230289-T-C.
Other names: c.77T>C, p.Val26Ala (NM_001366022.1); short protein forms V119A, V26A.
Identifiers: ClinVar variation 5037231 (VCV005037231.1).